The following is an entry in ClinVar:

NM_001289104.2(PRKCSH):c.543G>C (p.Glu181Asp)

Gene: PRKCSH (PRKCSH beta subunit of glucosidase II; plus strand). Cytogenetic location: 19p13.2.
Variant type: single nucleotide variant.
Coding change: c.543G>C on transcript NM_001289104.2 (MANE Select); coding-DNA position 543, G replaced by C.
Protein change: p.Glu181Asp; replaces glutamic acid 181 with aspartic acid.
Molecular consequence: missense variant.
Genome position (GRCh38, 1-based): chr19:11,442,460, G>C. VCF-style: chr19-11442460-G-C. GRCh37 (hg19) VCF-style: chr19-11553275-G-C.
Other names: c.543G>C, p.Glu181Asp (NM_001001329.3, NM_001289102.2, NM_001289103.2 and 3 more transcripts); c.543G>C (NM_002743.2); short protein forms E181D.
Identifiers: ClinVar variation 1430144 (VCV001430144.12), dbSNP rs370840119, ClinGen allele CA9212875.

ClinVar aggregate classification (germline): Conflicting classifications of pathogenicity. Review status: criteria provided, conflicting classifications (1 of 4 stars). 4 submissions from 4 submitters: Uncertain significance (3); Likely benign (1). Last evaluated 2024-03-12.

Conditions:
Polycystic liver disease 1 (PCLD1). Also called: Polycystic liver disease 1 with or without kidney cysts. Identifiers: Orphanet 2924, MedGen C0887850, MONDO:0008265, OMIM 174050.
Inborn genetic diseases. Identifiers: MedGen C0950123, MeSH D030342.

Allele frequency attached by ClinVar (database versions not stated): gnomAD 0.00006 and 0.00007; ExAC 0.00004; TOPMed 0.00002; gnomAD exomes 0.00003; ESP Exome Variant Server 0.00015.
gnomAD v4.1: 54 of 1,612,284 alleles (0.0033%); highest among the groups gnomAD compares: Non-Finnish European, 0.0046%; no homozygotes.

Submissions (4):

Fulgent Genetics
Classification: Likely benign for Polycystic liver disease 1. Last evaluated: 2024-03-12. Review status: criteria provided, single submitter. Criteria: ACMG Guidelines, 2015. Collection method: clinical testing. Allele origin: germline.

GeneDx
Classification: Uncertain significance. Last evaluated: 2023-04-12. Review status: criteria provided, single submitter. Criteria: GeneDx Variant Classification Process June 2021. Collection method: clinical testing. Allele origin: germline.
Comment: In silico analysis supports that this missense variant has a deleterious effect on protein structure/function; Has not been previously published as pathogenic or benign to our knowledge

Ambry Genetics
Classification: Uncertain significance for Inborn genetic diseases. Last evaluated: 2023-01-26. Review status: criteria provided, single submitter. Criteria: Ambry Variant Classification Scheme 2023. Collection method: clinical testing. Allele origin: germline.

Labcorp Genetics (formerly Invitae), Labcorp
Classification: Uncertain significance. Last evaluated: 2021-07-26. Review status: criteria provided, single submitter. Criteria: Invitae Variant Classification Sherloc (09022015). Collection method: clinical testing. Allele origin: germline.
Comment: In summary, the available evidence is currently insufficient to determine the role of this variant in disease. Therefore, it has been classified as a Variant of Uncertain Significance. Algorithms developed to predict the effect of missense changes on protein structure and function are either unavailable or do not agree on the potential impact of this missense change (SIFT: "Tolerated"; PolyPhen-2: "Possibly Damaging"; Align-GVGD: "Class C0"). This variant has not been reported in the literature in individuals with PRKCSH-related conditions. This variant is present in population databases (rs370840119, ExAC 0.007%). This sequence change replaces glutamic acid with aspartic acid at codon 181 of the PRKCSH protein (p.Glu181Asp). The glutamic acid residue is highly conserved and there is a small physicochemical difference between glutamic acid and aspartic acid.